The following is an entry in ClinVar:

ClinVar aggregate classification (germline): Uncertain significance (1 of 4 stars; one submission).

Submission:

GeneDx
Classification: Uncertain significance. Last evaluated: 2023-01-20. Review status: criteria provided, single submitter. Criteria: GeneDx Variant Classification Process June 2021. Collection method: clinical testing. Allele origin: germline. Affected: yes.
Comment: Not observed at significant frequency in large population cohorts (gnomAD); In silico analysis supports that this missense variant does not alter protein structure/function; In silico analysis is inconclusive as to whether the variant alters gene splicing. In the absence of RNA/functional studies, the actual effect of this sequence change is unknown.; Has not been previously published as pathogenic or benign to our knowledge

NM_014727.3(KMT2B):c.7049G>T (p.Gly2350Val)

Gene: KMT2B (lysine methyltransferase 2B; plus strand). Cytogenetic location: 19q13.12.
Variant type: single nucleotide variant.
Coding change: c.7049G>T on transcript NM_014727.3 (MANE Select); coding-DNA position 7049, G replaced by T.
Protein change: p.Gly2350Val; replaces glycine 2350 with valine.
Molecular consequence: missense variant.
Genome position (GRCh38, 1-based): chr19:35,733,686, G>T. VCF-style: chr19-35733686-G-T. GRCh37 (hg19) VCF-style: chr19-36224587-G-T.
Other names: short protein forms G2350V.
Identifiers: ClinVar variation 2573656 (VCV002573656.1), dbSNP rs1437261281, ClinGen allele CA405431360.